The following is an entry in ClinVar:

NM_000062.3(SERPING1):c.1312del (p.Val438fs)

Gene: SERPING1 (serpin family G member 1; plus strand). Cytogenetic location: 11q12.1.
Variant type: Deletion.
Coding change: c.1312del on transcript NM_000062.3 (MANE Select); coding-DNA position 1312, one base deleted (G; older notation c.1312delG).
Protein change: p.Val438fs; shifts the reading frame from valine 438.
Molecular consequence: frameshift variant.
Genome position (GRCh38, 1-based): chr11:57,614,390, G deleted; the last of 2 consecutive G bases (chr11:57,614,389-57,614,390); deleting either gives the same sequence. VCF-style (leftmost placement, unchanged base first): chr11-57614388-AG-A. GRCh37 (hg19) VCF-style: chr11-57381861-AG-A.
Other names: c.1312del, p.Val438fs (NM_001032295.2); short protein forms V438fs.
Identifiers: ClinVar variation 2827438 (VCV002827438.3), dbSNP rs2495457985, ClinGen allele CA2695214250.

ClinVar aggregate classification (germline): Pathogenic (1 of 4 stars; one submission).

Submission:

Labcorp Genetics (formerly Invitae), Labcorp
Classification: Pathogenic. Last evaluated: 2025-11-03. Review status: criteria provided, single submitter. Criteria: Invitae Variant Classification Sherloc (09022015). Collection method: clinical testing. Allele origin: germline.
Comment: This sequence change creates a premature translational stop signal (p.Val438Phefs*12) in the SERPING1 gene. While this is not anticipated to result in nonsense mediated decay, it is expected to disrupt the last 63 amino acid(s) of the SERPING1 protein. This variant is not present in population databases (gnomAD no frequency). This premature translational stop signal has been observed in individual(s) with hereditary angioedema (PMID: 31517426, 35821062). ClinVar contains an entry for this variant (Variation ID: 2827438). This variant disrupts a region of the SERPING1 protein in which other variant(s) (p.Arg494*) have been determined to be pathogenic (PMID: 8755917, 30508583, 32065705). This suggests that this is a clinically significant region of the protein, and that variants that disrupt it are likely to be disease-causing. For these reasons, this variant has been classified as Pathogenic.

Literature cited by the submitters: PubMed 31517426; PubMed 35821062; PubMed 8755917; PubMed 30508583; PubMed 32065705.